The following is an entry in ClinVar:

ClinVar aggregate classification (germline): Uncertain significance (1 of 4 stars; one submission).

Conditions:
F8-related disorder. Also called: F8-related condition.

Submission:

PreventionGenetics, part of Exact Sciences
Classification: Uncertain significance for F8-related condition. Last evaluated: 2025-03-14. Review status: criteria provided, single submitter. Criteria: ACMG Guidelines, 2015. Collection method: clinical testing. Allele origin: germline.
Comment: The F8 c.5086T>G variant is predicted to result in the amino acid substitution p.Phe1696Val. To our knowledge, this variant has not been reported in the literature or in a large population database (gnomAD), indicating this variant is rare. At this time, the clinical significance of this variant is uncertain due to the absence of conclusive functional and genetic evidence.

NM_000132.4(F8):c.5086T>G (p.Phe1696Val)

Gene: F8 (coagulation factor VIII; minus strand). Cytogenetic location: Xq28.
Variant type: single nucleotide variant.
Coding change: c.5086T>G on transcript NM_000132.4 (MANE Select); coding-DNA position 5086, T replaced by G.
Protein change: p.Phe1696Val; replaces phenylalanine 1696 with valine.
Molecular consequence: missense variant.
Genome position (GRCh38, 1-based): chrX:154,928,704, A>C on the plus strand (T>G on the coding strand, the complement: F8 is on the minus strand). VCF-style: chrX-154928704-A-C. GRCh37 (hg19) VCF-style: chrX-154156979-A-C.
Other names: short protein forms F1696V.
Identifiers: ClinVar variation 5002591 (VCV005002591.1).